The following is an entry in ClinVar:

ClinVar aggregate classification (germline): Uncertain significance (1 of 4 stars; one submission).

gnomAD v4.1: 3 of 1,611,028 alleles (0.00019%); highest among the groups gnomAD compares: South Asian, 0.0011%; no homozygotes.

Submission:

GeneDx
Classification: Uncertain significance. Last evaluated: 2024-03-07. Review status: criteria provided, single submitter. Criteria: GeneDx Variant Classification Process June 2021. Collection method: clinical testing. Allele origin: germline. Affected: yes.
Comment: Not observed at significant frequency in large population cohorts (gnomAD); Nonsense variant predicted to result in protein truncation or nonsense mediated decay in a gene for which loss-of-function is not an established mechanism of disease; Has not been previously published as pathogenic or benign to our knowledge

NM_130847.3(AMOTL1):c.1561C>T (p.Arg521Ter)

Gene: AMOTL1 (angiomotin like 1; plus strand). Cytogenetic location: 11q21.
Variant type: single nucleotide variant.
Coding change: c.1561C>T on transcript NM_130847.3 (MANE Select); coding-DNA position 1561, C replaced by T.
Protein change: p.Arg521Ter; replaces arginine 521 with a stop codon.
Molecular consequence: nonsense.
Genome position (GRCh38, 1-based): chr11:94,831,454, C>T. VCF-style: chr11-94831454-C-T. GRCh37 (hg19) VCF-style: chr11-94564620-C-T.
Other names: c.1411C>T, p.Arg471Ter (NM_001301007.2); short protein forms R471*, R521*.
Identifiers: ClinVar variation 3370753 (VCV003370753.1).
Genomic context (GRCh38, chr11:94,831,454, plus strand): 5'-TAGATGATGACTTCAATCCATATACATTTCTTTGTAATCATTTCCTCTTTGTTCATAGAT[C>T]GACTAGAGACTGCTAACAGGCAACTATCCAGCAGGGAATACGAAGGGCATGAAGACAAAG-3'